The following is an entry in ClinVar:

NM_003072.5(SMARCA4):c.713C>G (p.Pro238Arg)

Gene: SMARCA4 (SWI/SNF related BAF chromatin remodeling complex subunit ATPase 4; plus strand). Cytogenetic location: 19p13.2.
Variant type: single nucleotide variant.
Coding change: c.713C>G on transcript NM_003072.5 (MANE Select); coding-DNA position 713, C replaced by G.
Protein change: p.Pro238Arg; replaces proline 238 with arginine.
Molecular consequence: missense variant. On other transcripts: non-coding transcript variant (1).
Genome position (GRCh38, 1-based): chr19:10,986,546, C>G. VCF-style: chr19-10986546-C-G. GRCh37 (hg19) VCF-style: chr19-11097222-C-G.
Other names: c.713C>G, p.Pro238Arg (NM_001128844.3, NM_001128845.2, NM_001128846.2 and 6 more transcripts); short protein forms P238R.
Identifiers: ClinVar variation 3445963 (VCV003445963.1).

ClinVar aggregate classification (germline): Uncertain significance (1 of 4 stars; one submission).

Conditions:
Hereditary cancer-predisposing syndrome. Also called: Tumor predisposition; Neoplastic Syndromes, Hereditary; Hereditary neoplastic syndrome; Hereditary Cancer Syndrome. Identifiers: Orphanet 140162, MedGen C0027672, MeSH D009386, MONDO:0015356.

gnomAD v4.1: 2 of 1,539,920 alleles (0.00013%); highest among the groups gnomAD compares: Non-Finnish European, 0.00017%; no homozygotes.

Submission:

Ambry Genetics
Classification: Uncertain significance for Hereditary cancer-predisposing syndrome. Last evaluated: 2024-10-29. Review status: criteria provided, single submitter. Criteria: Ambry Variant Classification Scheme 2023. Collection method: clinical testing. Allele origin: germline.
Comment: The p.P238R variant (also known as c.713C>G), located in coding exon 3 of the SMARCA4 gene, results from a C to G substitution at nucleotide position 713. The proline at codon 238 is replaced by arginine, an amino acid with dissimilar properties. This amino acid position is conserved. In addition, the in silico prediction for this alteration is inconclusive. Based on the available evidence, the clinical significance of this variant remains unclear.